The following is an entry in ClinVar:

NM_001354930.2(RIPK1):c.1911G>A (p.Met637Ile)

Gene: RIPK1 (receptor interacting serine/threonine kinase 1; plus strand). Cytogenetic location: 6p25.2.
Variant type: single nucleotide variant.
Coding change: c.1911G>A on transcript NM_001354930.2 (MANE Select); coding-DNA position 1911, G replaced by A.
Protein change: p.Met637Ile; replaces methionine 637 with isoleucine.
Molecular consequence: missense variant.
Genome position (GRCh38, 1-based): chr6:3,113,234, G>A. VCF-style: chr6-3113234-G-A. GRCh37 (hg19) VCF-style: chr6-3113468-G-A.
Other names: c.1422G>A, p.Met474Ile (NM_001354933.2, NM_001354934.2, NM_001317061.3 and 1 more transcripts); c.1911G>A, p.Met637Ile (NM_003804.6); c.1773G>A, p.Met591Ile (NM_001354931.2); short protein forms M474I, M591I, M637I.
Identifiers: ClinVar variation 3626947 (VCV003626947.2).
Genomic context (GRCh38, chr6:3,113,234, plus strand): 5'-TGACTATGAGCGAGATGGACTGAAAGAAAAGGTTTACCAGATGCTCCAAAAGTGGGTGAT[G>A]AGGGAAGGCATAAAGGGAGCCACGGTGGGGAAGCTGGCCCAGGCGCTCCACCAGTGTTCC-3'
Protein context (NP_001341859.1, residues 627-647): KVYQMLQKWV[Met637Ile]REGIKGATVG

ClinVar aggregate classification (germline): Uncertain significance (1 of 4 stars; one submission).

gnomAD v4.1: 6 of 1,613,998 alleles (0.00037%); highest among the groups gnomAD compares: African/African-American, 0.0053%; no homozygotes.

Submission:

Labcorp Genetics (formerly Invitae), Labcorp
Classification: Uncertain significance. Last evaluated: 2025-02-28. Review status: criteria provided, single submitter. Criteria: Invitae Variant Classification Sherloc (09022015). Collection method: clinical testing. Allele origin: germline.
Comment: This sequence change replaces methionine, which is neutral and non-polar, with isoleucine, which is neutral and non-polar, at codon 637 of the RIPK1 protein (p.Met637Ile). This variant is present in population databases (rs748199482, gnomAD 0.01%). This variant has not been reported in the literature in individuals affected with RIPK1-related conditions. An algorithm developed to predict the effect of missense changes on protein structure and function (PolyPhen-2) suggests that this variant is likely to be disruptive. In summary, the available evidence is currently insufficient to determine the role of this variant in disease. Therefore, it has been classified as a Variant of Uncertain Significance.